The following is an entry in ClinVar:

NM_004519.4(KCNQ3):c.302A>G (p.Asn101Ser)

Gene: KCNQ3 (potassium voltage-gated channel subfamily Q member 3; minus strand). Cytogenetic location: 8q24.22.
Variant type: single nucleotide variant.
Coding change: c.302A>G on transcript NM_004519.4 (MANE Select); coding-DNA position 302, A replaced by G.
Protein change: p.Asn101Ser; replaces asparagine 101 with serine.
Molecular consequence: missense variant.
Genome position (GRCh38, 1-based): chr8:132,480,231, T>C on the plus strand (A>G on the coding strand, the complement: KCNQ3 is on the minus strand). VCF-style: chr8-132480231-T-C. GRCh37 (hg19) VCF-style: chr8-133492478-T-C.
Other names: short protein forms N101S.
Identifiers: ClinVar variation 1481205 (VCV001481205.6), dbSNP rs1822516861, ClinGen allele CA372292493.
Genomic context (GRCh38, chr8:132,480,231, plus strand): 5'-CAGCCCCGCGGTCTCTCCAGGGCGTCGTAGATCAAAGTTTGGATGCGCCGGTACTTGGCG[T>C]TGTTTCTCTTGACTGGGCGGCTCAGCGGGGTCTTGGCCAGGAGCCCGATGCCCTGCGGGG-3'
Protein context (NP_004510.1, residues 91-111): TPLSRPVKRN[Asn101Ser]AKYRRIQTLI

ClinVar aggregate classification (germline): Uncertain significance (1 of 4 stars; one submission).

Conditions:
Benign neonatal seizures. Also called: Benign neonatal familial convulsions; Benign familial neonatal seizures; Convulsions benign familial neonatal dominant form; Autosomal dominant form of benign neonatal seizures; Benign familial neonatal epilepsy. Identifiers: Orphanet 1949, MedGen C0220669, MONDO:0016027.

Allele frequency attached by ClinVar (database versions not stated): gnomAD exomes below 0.00001; TOPMed below 0.00001.
gnomAD v4.1: 1 of 1,613,206 alleles (0.000062%); highest among the groups gnomAD compares: Non-Finnish European, 0.000085%; no homozygotes.

Submission:

Labcorp Genetics (formerly Invitae), Labcorp
Classification: Uncertain significance for Benign neonatal seizures. Last evaluated: 2025-09-02. Review status: criteria provided, single submitter. Criteria: Invitae Variant Classification Sherloc (09022015). Collection method: clinical testing. Allele origin: germline.
Comment: This sequence change replaces asparagine, which is neutral and polar, with serine, which is neutral and polar, at codon 101 of the KCNQ3 protein (p.Asn101Ser). This variant is not present in population databases (gnomAD no frequency). This variant has not been reported in the literature in individuals affected with KCNQ3-related conditions. ClinVar contains an entry for this variant (Variation ID: 1481205). Invitae Evidence Modeling of protein sequence and biophysical properties (such as structural, functional, and spatial information, amino acid conservation, physicochemical variation, residue mobility, and thermodynamic stability) indicates that this missense variant is not expected to disrupt KCNQ3 protein function with a negative predictive value of 80%. In summary, the available evidence is currently insufficient to determine the role of this variant in disease. Therefore, it has been classified as a Variant of Uncertain Significance.